The following is an entry in ClinVar:

NM_002076.4(GNS):c.1594C>T (p.Pro532Ser)

Gene: GNS (glucosamine (N-acetyl)-6-sulfatase; minus strand). Cytogenetic location: 12q14.3.
Variant type: single nucleotide variant.
Coding change: c.1594C>T on transcript NM_002076.4 (MANE Select); coding-DNA position 1594, C replaced by T.
Protein change: p.Pro532Ser; replaces proline 532 with serine.
Molecular consequence: missense variant.
Genome position (GRCh38, 1-based): chr12:64,716,806, G>A on the plus strand (C>T on the coding strand, the complement: GNS is on the minus strand). VCF-style: chr12-64716806-G-A. GRCh37 (hg19) VCF-style: chr12-65110586-G-A.
Other names: short protein forms P532S.
Identifiers: ClinVar variation 1965602 (VCV001965602.3), dbSNP rs202228620, ClinGen allele CA385599954.

ClinVar aggregate classification (germline): Uncertain significance (1 of 4 stars; one submission).

Conditions:
Mucopolysaccharidosis, MPS-III-D (MPS3D). Also called: N-ACETYLGLUCOSAMINE-6-SULFATASE DEFICIENCY; SANFILIPPO SYNDROME D; MPS III D; Mucopoly-saccharidosis type 3D; N-acetylglucosamine-6-sulfate sulfatase deficiency; MPS 3D. Identifiers: Orphanet 581, Orphanet 79272, MedGen C0086650, MONDO:0009658, OMIM 252940.

gnomAD v4.1: 1 of 1,610,962 alleles (0.000062%); no homozygotes.

Submission:

Labcorp Genetics (formerly Invitae), Labcorp
Classification: Uncertain significance for Mucopolysaccharidosis, MPS-III-D. Last evaluated: 2025-04-17. Review status: criteria provided, single submitter. Criteria: Invitae Variant Classification Sherloc (09022015). Collection method: clinical testing. Allele origin: germline.
Comment: This sequence change replaces proline, which is neutral and non-polar, with serine, which is neutral and polar, at codon 532 of the GNS protein (p.Pro532Ser). This variant is not present in population databases (gnomAD no frequency). This variant has not been reported in the literature in individuals affected with GNS-related conditions. ClinVar contains an entry for this variant (Variation ID: 1965602). An algorithm developed to predict the effect of missense changes on protein structure and function (PolyPhen-2) suggests that this variant is likely to be tolerated. In summary, the available evidence is currently insufficient to determine the role of this variant in disease. Therefore, it has been classified as a Variant of Uncertain Significance.